The following is an entry in ClinVar:

NM_004984.4(KIF5A):c.2545C>G (p.Arg849Gly)

Gene: KIF5A (kinesin family member 5A; plus strand). Cytogenetic location: 12q13.3.
Variant type: single nucleotide variant.
Coding change: c.2545C>G on transcript NM_004984.4 (MANE Select); coding-DNA position 2545, C replaced by G.
Protein change: p.Arg849Gly; replaces arginine 849 with glycine.
Molecular consequence: missense variant.
Genome position (GRCh38, 1-based): chr12:57,580,962, C>G. VCF-style: chr12-57580962-C-G. GRCh37 (hg19) VCF-style: chr12-57974745-C-G.
Other names: c.2278C>G, p.Arg760Gly (NM_001354705.2); short protein forms R760G, R849G.
Identifiers: ClinVar variation 4796512 (VCV004796512.1).

ClinVar aggregate classification (germline): Uncertain significance (1 of 4 stars; one submission).

Conditions:
Myoclonus, intractable, neonatal (NEIMY). Identifiers: MedGen C4310658, MONDO:0014979, OMIM 617235.
Hereditary spastic paraplegia 10 (SPG10). Also called: SPASTIC PARAPLEGIA 10, AUTOSOMAL DOMINANT; SPASTIC PARAPLEGIA 10 WITH OR WITHOUT PERIPHERAL NEUROPATHY; SPASTIC PARAPLEGIA 10 WITH PERIPHERAL NEUROPATHY. Identifiers: Orphanet 100991, MedGen C1858712, MONDO:0011408, OMIM 604187.
Amyotrophic lateral sclerosis, susceptibility to, 25. Identifiers: MedGen C4693609, MONDO:0060670, OMIM 617921.

Submission:

Juno Genomics, Hangzhou Juno Genomics, Inc
Classification: Uncertain significance for Hereditary spastic paraplegia 10; Amyotrophic lateral sclerosis, susceptibility to, 25; Myoclonus, intractable, neonatal. Review status: criteria provided, single submitter. Criteria: ACMG Guidelines, 2015. Collection method: clinical testing. Allele origin: germline. Affected: yes.
Comment: Absent from controls (or at extremely low frequency if recessive) in Genome Aggregation Database, Exome Sequencing Project, 1000 Genomes Project, or Exome Aggregation Consortium.;Multiple lines of computational evidence support a deleterious effect on the gene or gene product (conservation, evolutionary, splicing impact, etc).;Missense variant in a gene that has a low rate of benign missense variation and where missense variants are a common mechanism of disease.